The following is an entry in ClinVar:

ClinVar aggregate classification (germline): Pathogenic (1 of 4 stars; one submission).

Conditions:
Neurofibromatosis, type 1 (NF1). Also called: Peripheral type neurofibromatosis; NEUROFIBROMATOSIS, TYPE I, SOMATIC; VON RECKLINGHAUSEN DISEASE; Neurofibromatosis, type I. Identifiers: Orphanet 636, MedGen C0027831, MONDO:0018975, OMIM 162200. Disease mechanism: loss of function.

Submission:

Labcorp Genetics (formerly Invitae), Labcorp
Classification: Pathogenic for Neurofibromatosis, type 1. Last evaluated: 2022-07-31. Review status: criteria provided, single submitter. Criteria: Invitae Variant Classification Sherloc (09022015). Collection method: clinical testing. Allele origin: germline.
Comment: This sequence change creates a premature translational stop signal (p.Ala1383Glyfs*20) in the NF1 gene. It is expected to result in an absent or disrupted protein product. Loss-of-function variants in NF1 are known to be pathogenic (PMID: 10712197, 23913538). This variant is not present in population databases (gnomAD no frequency). This premature translational stop signal has been observed in individual(s) with neurofibromatosis type 1 (PMID: 31776437). For these reasons, this variant has been classified as Pathogenic.

Literature cited by the submitters: PubMed 10712197; PubMed 23913538; PubMed 31776437.

NM_001042492.3(NF1):c.4210dup (p.Ala1404fs)

Gene: NF1 (neurofibromin 1; plus strand). Cytogenetic location: 17q11.2.
Variant type: Duplication.
Coding change: c.4210dup on transcript NM_001042492.3 (MANE Select); coding-DNA position 4210, one base duplicated (G; older notation c.4210dupG).
Protein change: p.Ala1404fs; shifts the reading frame from alanine 1404.
Molecular consequence: frameshift variant.
Genome position (GRCh38, 1-based): chr17:31,258,380, G duplicated. VCF-style (leftmost placement, unchanged base first): chr17-31258379-T-TG. GRCh37 (hg19) VCF-style: chr17-29585397-T-TG.
Other names: c.4147dup, p.Ala1383Glyfs (NM_000267.4); short protein forms A1383fs, A1404fs.
Identifiers: ClinVar variation 2099060 (VCV002099060.4), dbSNP rs2508408123, ClinGen allele CA2580092853.